The following is an entry in ClinVar:

NM_005006.7(NDUFS1):c.896G>A (p.Arg299His)

Gene: NDUFS1 (NADH:ubiquinone oxidoreductase core subunit S1; minus strand). Cytogenetic location: 2q33.3.
Variant type: single nucleotide variant.
Coding change: c.896G>A on transcript NM_005006.7 (MANE Select); coding-DNA position 896, G replaced by A.
Protein change: p.Arg299His; replaces arginine 299 with histidine.
Molecular consequence: missense variant.
Genome position (GRCh38, 1-based): chr2:206,144,109, C>T on the plus strand (G>A on the coding strand, the complement: NDUFS1 is on the minus strand). VCF-style: chr2-206144109-C-T. GRCh37 (hg19) VCF-style: chr2-207008833-C-T.
Other names: c.788G>A, p.Arg263His (NM_001199981.2); c.563G>A, p.Arg188His (NM_001199982.2); c.725G>A, p.Arg242His (NM_001199983.2); c.938G>A, p.Arg313His (NM_001199984.2); short protein forms R263H, R242H, R313H, R299H, R188H.
Identifiers: ClinVar variation 5009031 (VCV005009031.1).

ClinVar aggregate classification (germline): Uncertain significance (1 of 4 stars; one submission).

Submission:

GeneDx
Classification: Uncertain significance. Last evaluated: 2026-02-18. Review status: criteria provided, single submitter. Criteria: GeneDx Variant Classification Process June 2021. Collection method: clinical testing. Allele origin: germline.
Comment: Not observed at significant frequency in large population cohorts (gnomAD); In silico analysis supports that this missense variant has a deleterious effect on protein structure/function; Has not been previously published as pathogenic or benign to our knowledge